The following is an entry in ClinVar:

NM_021072.4(HCN1):c.477C>G (p.Ile159Met)

Gene: HCN1 (hyperpolarization activated cyclic nucleotide gated potassium channel 1; minus strand). Cytogenetic location: 5p12.
Variant type: single nucleotide variant.
Coding change: c.477C>G on transcript NM_021072.4 (MANE Select); coding-DNA position 477, C replaced by G.
Protein change: p.Ile159Met; replaces isoleucine 159 with methionine.
Molecular consequence: missense variant.
Genome position (GRCh38, 1-based): chr5:45,645,557, G>C on the plus strand (C>G on the coding strand, the complement: HCN1 is on the minus strand). VCF-style: chr5-45645557-G-C. GRCh37 (hg19) VCF-style: chr5-45645659-G-C.
Other names: short protein forms I159M.
Identifiers: ClinVar variation 860501 (VCV000860501.10), dbSNP rs1745533139, ClinGen allele CA359707828.

ClinVar aggregate classification (germline): Uncertain significance (1 of 4 stars; one submission).

Conditions:
Early-infantile DEE. Also called: Early infantile epileptic encephalopathy; Early infantile epileptic encephalopathy with suppression bursts; Ohtahara syndrome. Identifiers: Orphanet 1934, MedGen C0393706, MONDO:0800491.

Submission:

Labcorp Genetics (formerly Invitae), Labcorp
Classification: Uncertain significance for Early-infantile DEE. Last evaluated: 2024-01-24. Review status: criteria provided, single submitter. Criteria: Invitae Variant Classification Sherloc (09022015). Collection method: clinical testing. Allele origin: germline.
Comment: This sequence change replaces isoleucine, which is neutral and non-polar, with methionine, which is neutral and non-polar, at codon 159 of the HCN1 protein (p.Ile159Met). This variant is not present in population databases (gnomAD no frequency). This variant has not been reported in the literature in individuals affected with HCN1-related conditions. ClinVar contains an entry for this variant (Variation ID: 860501). Advanced modeling of protein sequence and biophysical properties (such as structural, functional, and spatial information, amino acid conservation, physicochemical variation, residue mobility, and thermodynamic stability) performed at Invitae indicates that this missense variant is not expected to disrupt HCN1 protein function with a negative predictive value of 80%. In summary, the available evidence is currently insufficient to determine the role of this variant in disease. Therefore, it has been classified as a Variant of Uncertain Significance.